The following is an entry in ClinVar:

NM_004333.6(BRAF):c.1141-110G>A

Gene: BRAF (B-Raf proto-oncogene, serine/threonine kinase; minus strand). Cytogenetic location: 7q34.
Variant type: single nucleotide variant.
Coding change: c.1141-110G>A on transcript NM_004333.6 (MANE Select); 110 bases into the intron before coding-DNA position 1141, G replaced by A.
Molecular consequence: intron variant.
Genome position (GRCh38, 1-based): chr7:140,787,694, C>T on the plus strand (G>A on the coding strand, the complement: BRAF is on the minus strand). VCF-style: chr7-140787694-C-T. GRCh37 (hg19) VCF-style: chr7-140487494-C-T.
Other names: c.1141-110G>A (NM_001378474.1, NM_001378468.1, NM_001354609.2 and 3 more transcripts); c.1039-110G>A (NM_001378470.1); c.877-110G>A (NM_001378475.1); c.1141-4611G>A (NM_001378471.1); c.1150-110G>A (NM_001378467.1); c.985-110G>A (NM_001378472.1, NM_001378473.1).
Identifiers: ClinVar variation 1270731 (VCV001270731.35), dbSNP rs117001169, ClinGen allele CA168095195.

ClinVar aggregate classification (germline): Benign/Likely benign. Review status: criteria provided, multiple submitters, no conflicts (2 of 4 stars). 3 submissions from 3 submitters: Benign (2); Likely benign (1). Last evaluated 2023-12-01.

Allele frequency attached by ClinVar (database versions not stated): TOPMed 0.00427; gnomAD 0.00440 and 0.00452; 1000 Genomes Project 30x 0.00453; 1000 Genomes Project 0.00479.
gnomAD v4.1: 5,381 of 899,910 alleles (0.6%); highest among the groups gnomAD compares: South Asian, 1.1%; 25 homozygotes.

Submissions (3):

CeGaT Center for Human Genetics Tuebingen
Classification: Likely benign. Last evaluated: 2023-12-01. Review status: criteria provided, single submitter. Criteria: CeGaT Center For Human Genetics Tuebingen Variant Classification Criteria Version 2. Collection method: clinical testing. Allele origin: germline. Affected: yes. Observed: 12 variant alleles.
Comment: BRAF: BS1

GeneDx
Classification: Benign. Last evaluated: 2015-03-03. Review status: criteria provided, single submitter. Criteria: GeneDx Variant Classification Process June 2021. Collection method: clinical testing. Allele origin: germline. Affected: yes.

Breakthrough Genomics
Classification: Benign. Review status: criteria provided, single submitter. Criteria: ACMG Guidelines, 2015. Collection method: not provided. Allele origin: germline. Inheritance: Autosomal dominant inheritance. Affected: yes.